The following is an entry in ClinVar:

NM_000528.4(MAN2B1):c.2283C>T (p.Pro761=)

Gene: MAN2B1 (mannosidase alpha class 2B member 1; minus strand). Cytogenetic location: 19p13.13.
Variant type: single nucleotide variant.
Coding change: c.2283C>T on transcript NM_000528.4 (MANE Select); coding-DNA position 2283, C replaced by T.
Protein change: p.Pro761=; no amino-acid change (proline 761 retained).
Molecular consequence: synonymous variant.
Genome position (GRCh38, 1-based): chr19:12,649,413, G>A on the plus strand (C>T on the coding strand, the complement: MAN2B1 is on the minus strand). VCF-style: chr19-12649413-G-A. GRCh37 (hg19) VCF-style: chr19-12760227-G-A.
Other names: c.2280C>T, p.Pro760= (NM_001173498.2).
Identifiers: ClinVar variation 790750 (VCV000790750.20), dbSNP rs138358081, ClinGen allele CA9226090.

ClinVar aggregate classification (germline): Benign/Likely benign. Review status: criteria provided, multiple submitters, no conflicts (2 of 4 stars). 5 submissions from 5 submitters: Benign (1); Likely benign (3). 1 of the submissions does not count toward it. Last evaluated 2026-02-01.

Conditions:
Deficiency of alpha-mannosidase (MANSA). Also called: Alpha-Mannosidosis; Mannosidosis, alpha-, types I and II; LYSOSOMAL ALPHA-D-MANNOSIDASE DEFICIENCY. Identifiers: Orphanet 61, MedGen C0024748, MONDO:0009561, OMIM 248500.

Allele frequency attached by ClinVar (database versions not stated): gnomAD exomes 0.00013 and 0.00043; ExAC 0.00066; 1000 Genomes Project 0.00080; 1000 Genomes Project 30x 0.00109; gnomAD 0.00151 and 0.00160; TOPMed 0.00198; ESP Exome Variant Server 0.00223.
gnomAD v4.1: 422 of 1,612,038 alleles (0.026%); highest among the groups gnomAD compares: African/African-American, 0.52%; 2 homozygotes.

Submissions (5):

Labcorp Genetics (formerly Invitae), Labcorp
Classification: Benign for Deficiency of alpha-mannosidase. Last evaluated: 2026-02-01. Review status: criteria provided, single submitter. Criteria: Invitae Variant Classification Sherloc (09022015). Collection method: clinical testing. Allele origin: germline.

Blueprint Genetics
Classification: Likely benign. Last evaluated: 2024-09-19. Review status: criteria provided, single submitter. Criteria: ACMG Guidelines, 2015. Collection method: clinical testing. Allele origin: germline.

Illumina Laboratory Services, Illumina
Classification: Likely benign for Deficiency of alpha-mannosidase. Last evaluated: 2018-01-12. Review status: criteria provided, single submitter. Criteria: ICSL Variant Classification Criteria 13 December 2019. Collection method: clinical testing. Allele origin: germline.
Comment: This variant was observed in the ICSL laboratory as part of a predisposition screen in an ostensibly healthy population. It had not been previously curated by ICSL or reported in the Human Gene Mutation Database (HGMD: prior to June 1st, 2018), and was therefore a candidate for classification through an automated scoring system. Utilizing variant allele frequency, disease prevalence and penetrance estimates, and inheritance mode, an automated score was calculated to assess if this variant is too frequent to cause the disease. Based on the score and internal cut-off values, a variant classified as likely benign is not then subjected to further curation. The score for this variant resulted in a classification of likely benign for this disease.

Breakthrough Genomics
Classification: Likely benign. Review status: criteria provided, single submitter. Criteria: ACMG Guidelines, 2015. Collection method: not provided. Allele origin: germline. Inheritance: Autosomal recessive inheritance. Affected: yes.

Natera, Inc.
Classification: Likely benign for Alpha-mannosidosis. Last evaluated: 2019-10-25. Review status: no assertion criteria provided. Collection method: clinical testing. Allele origin: germline. Not counted in ClinVar's aggregate classification.